The following is an entry in ClinVar:

NM_016277.5(RAB23):c.*2425G>A

Genes: BAG2 (BAG cochaperone 2; plus strand), RAB23 (RAB23, member RAS oncogene family; minus strand). Cytogenetic location: 6p12.1.
Variant type: single nucleotide variant.
Coding change: c.*2425G>A on transcript NM_016277.5 (MANE Select); 2425 bases downstream of the stop codon, G replaced by A.
Molecular consequence: 3 prime UTR variant. On other transcripts: non-coding transcript variant (1).
Genome position (GRCh38, 1-based): chr6:57,188,036, C>T on the plus strand (G>A on the coding strand, the complement: RAB23 is on the minus strand). VCF-style: chr6-57188036-C-T. GRCh37 (hg19) VCF-style: chr6-57052834-C-T.
Other names: c.*2425G>A (NM_001278666.2, NM_001278667.2, NM_001278668.2 and 1 more transcripts); c.*3846C>T (NM_004282.4).
Identifiers: ClinVar variation 909372 (VCV000909372.4), dbSNP rs62415930, ClinGen allele CA12237189.

ClinVar aggregate classification (germline): Benign (1 of 4 stars; one submission).

Conditions:
RAB23-related Carpenter syndrome. Also called: ACPS II; Carpenter syndrome 1. Identifiers: Orphanet 65759, MedGen C4551510, MONDO:0008710, OMIM 201000.

Allele frequency attached by ClinVar (database versions not stated): 1000 Genomes Project 0.01418; TOPMed 0.02742; gnomAD 0.03215 and 0.03322; 1000 Genomes Project 30x 0.01483.

Submission:

Illumina Laboratory Services, Illumina
Classification: Benign for RAB23-related Carpenter syndrome. Last evaluated: 2018-01-13. Review status: criteria provided, single submitter. Criteria: ICSL Variant Classification Criteria 13 December 2019. Collection method: clinical testing. Allele origin: germline.
Comment: This variant was observed in the ICSL laboratory as part of a predisposition screen in an ostensibly healthy population. It had not been previously curated by ICSL or reported in the Human Gene Mutation Database (HGMD: prior to June 1st, 2018), and was therefore a candidate for classification through an automated scoring system. Utilizing variant allele frequency, disease prevalence and penetrance estimates, and inheritance mode, an automated score was calculated to assess if this variant is too frequent to cause the disease. Based on the score and internal cut-off values, a variant classified as benign is not then subjected to further curation. The score for this variant resulted in a classification of benign for this disease.